The following is an entry in ClinVar:

NM_005422.4(TECTA):c.805C>T (p.Arg269Ter)

Genes: TBCEL-TECTA (TBCEL-TECTA readthrough; plus strand), TECTA (tectorin alpha; plus strand). Cytogenetic location: 11q23.3.
Variant type: single nucleotide variant.
Coding change: c.805C>T on transcript NM_005422.4 (MANE Select); coding-DNA position 805, C replaced by T.
Protein change: p.Arg269Ter; replaces arginine 269 with a stop codon.
Molecular consequence: nonsense.
Genome position (GRCh38, 1-based): chr11:121,118,320, C>T. VCF-style: chr11-121118320-C-T. GRCh37 (hg19) VCF-style: chr11-120989029-C-T.
Other names: c.1762C>T, p.Arg588Ter (NM_001378761.1); c.805C>T (NM_005422.2); short protein forms R269*, R588*.
Identifiers: ClinVar variation 3601876 (VCV003601876.5).
Genomic context (GRCh38, chr11:121,118,320, plus strand): 5'-GGGGAAATGCTCAGTAAATGTTGGCTCTAATGTCATTATTCCCCAGGACAATTCCTTCGG[C>T]GAGGGGAGGTGTTTTGGGATGACTTGAACTGCACCGTCAAGTGCCGCTGTCTGGATTTCA-3'

ClinVar aggregate classification (germline): Pathogenic/Likely pathogenic. Review status: criteria provided, multiple submitters, no conflicts (2 of 4 stars). 5 submissions from 5 submitters: Pathogenic (2); Likely pathogenic (3). Last evaluated 2026-02-16.

Conditions:
TECTA-related disorder. Also called: TECTA-related condition.
Autosomal dominant nonsyndromic hearing loss 12. Also called: DEAFNESS, AUTOSOMAL DOMINANT 8. Identifiers: Orphanet 90635, MedGen C1832187, MONDO:0011102, OMIM 601543.
Autosomal recessive nonsyndromic hearing loss 21. Identifiers: Orphanet 90636, MedGen C1863655, MONDO:0011351, OMIM 603629.

gnomAD v4.1: 8 of 1,614,094 alleles (0.0005%); highest among the groups gnomAD compares: East Asian, 0.0022%; no homozygotes.

Submissions (5):

Women's Health and Genetics/Laboratory Corporation of America, LabCorp
Classification: Pathogenic for Autosomal recessive nonsyndromic hearing loss 21. Last evaluated: 2026-02-16. Review status: criteria provided, single submitter. Criteria: LabCorp Variant Classification Summary - May 2015. Collection method: clinical testing. Allele origin: germline.
Comment: Variant summary: TECTA c.805C>T (p.Arg269X) results in a premature termination codon, predicted to cause a truncation of the encoded protein or absence of the protein due to nonsense mediated decay, which are commonly known mechanisms for disease. The variant was absent in 251296 control chromosomes. To our knowledge, no occurrence of c.805C>T in individuals affected with TECTA-related conditions and no experimental evidence demonstrating its impact on protein function have been reported. ClinVar contains an entry for this variant (Variation ID: 3601876). Based on the evidence outlined above, the variant was classified as pathogenic.

PreventionGenetics, part of Exact Sciences
Classification: Likely pathogenic for TECTA-related condition. Last evaluated: 2025-04-14. Review status: criteria provided, single submitter. Criteria: ACMG Guidelines, 2015. Collection method: clinical testing. Allele origin: germline.
Comment: The TECTA c.805C>T variant is predicted to result in premature protein termination (p.Arg269*). To our knowledge, this variant has not been reported in the literature or in a large population database (gnomAD), indicating this variant is rare. Nonsense variants in TECTA are expected to be pathogenic. This variant is interpreted as likely pathogenic.

Institute of Rare Diseases, West China Hospital, Sichuan University
Classification: Pathogenic for Autosomal recessive nonsyndromic hearing loss 21. Last evaluated: 2025-01-09. Review status: criteria provided, single submitter. Criteria: ClinGen HL ACMG Specifications v1. Collection method: research. Allele origin: germline. Affected: yes.
Comment: PVS1;PM3_Supporting;PM2_Supporting

Blueprint Genetics
Classification: Likely pathogenic for TECTA-related disorders. Last evaluated: 2024-10-09. Review status: criteria provided, single submitter. Criteria: ACMG Guidelines, 2015. Collection method: clinical testing. Allele origin: germline. Affected: yes. Observed: 5 variant alleles.

Department of Pathology and Laboratory Medicine, Sinai Health System
Classification: Likely pathogenic for Autosomal recessive nonsyndromic hearing loss 21; Autosomal dominant nonsyndromic hearing loss 12. Last evaluated: 2022-12-05. Review status: criteria provided, single submitter. Criteria: ACMG Guidelines, 2015. Collection method: research. Allele origin: germline.